The following is an entry in ClinVar:

NM_000051.4(ATM):c.9158A>G (p.Lys3053Arg)

Genes: ATM (ATM serine/threonine kinase; plus strand), C11orf65 (chromosome 11 open reading frame 65; minus strand). Cytogenetic location: 11q22.3.
Variant type: single nucleotide variant.
Coding change: c.9158A>G on transcript NM_000051.4 (MANE Select); coding-DNA position 9158, A replaced by G.
Protein change: p.Lys3053Arg; replaces lysine 3053 with arginine.
Molecular consequence: missense variant. On other transcripts: intron variant (2).
Genome position (GRCh38, 1-based): chr11:108,365,495, A>G. VCF-style: chr11-108365495-A-G. GRCh37 (hg19) VCF-style: chr11-108236222-A-G.
Other names: c.9158A>G, p.Lys3053Arg (NM_001351834.2); c.640+20425T>C (NM_001330368.2); c.694+20425T>C (NM_001351110.2); short protein forms K3053R.
Identifiers: ClinVar variation 1765978 (VCV001765978.2), dbSNP rs2137929782, ClinGen allele CA382532173.
Genomic context (GRCh38, chr11:108,365,495, plus strand): 5'-ATTTGCTCATACAGCAGGCCATAGACCCCAAAAATCTCAGCCGACTTTTCCCAGGATGGA[A>G]AGCTTGGGTGTGATCTTCAGTATATGAATTACCCTTTCATTCAGCCTTTAGAAATTATAT-3'
Protein context (NP_000042.3, residues 3043-3056): KNLSRLFPGW[Lys3053Arg]AWV

ClinVar aggregate classification (germline): Uncertain significance (1 of 4 stars; one submission).

Conditions:
Hereditary cancer-predisposing syndrome. Also called: Hereditary neoplastic syndrome; Neoplastic Syndromes, Hereditary; Tumor predisposition; Hereditary Cancer Syndrome. Identifiers: Orphanet 140162, MedGen C0027672, MeSH D009386, MONDO:0015356.

Submission:

Ambry Genetics
Classification: Uncertain significance for Hereditary cancer-predisposing syndrome. Last evaluated: 2020-02-24. Review status: criteria provided, single submitter. Criteria: Ambry Variant Classification Scheme 2023. Collection method: clinical testing. Allele origin: germline.
Comment: The p.K3053R variant (also known as c.9158A>G), located in coding exon 62 of the ATM gene, results from an A to G substitution at nucleotide position 9158. The lysine at codon 3053 is replaced by arginine, an amino acid with highly similar properties. This amino acid position is not well conserved in available vertebrate species. In addition, this alteration is predicted to be tolerated by in silico analysis. Since supporting evidence is limited at this time, the clinical significance of this alteration remains unclear.